The following is an entry in ClinVar:

NM_000132.4(F8):c.2087C>T (p.Thr696Ile)

Gene: F8 (coagulation factor VIII; minus strand). Cytogenetic location: Xq28.
Variant type: single nucleotide variant.
Coding change: c.2087C>T on transcript NM_000132.4 (MANE Select); coding-DNA position 2087, C replaced by T.
Protein change: p.Thr696Ile; replaces threonine 696 with isoleucine.
Molecular consequence: missense variant.
Genome position (GRCh38, 1-based): chrX:154,947,724, G>A on the plus strand (C>T on the coding strand, the complement: F8 is on the minus strand). VCF-style: chrX-154947724-G-A. GRCh37 (hg19) VCF-style: chrX-154175999-G-A.
Other names: NM_000132.4:c.2087C>T; short protein forms T696I.
Identifiers: ClinVar variation 2775445 (VCV002775445.4), dbSNP rs1433146066, ClinGen allele CA414909018.
Genomic context (GRCh38, chrX:154,947,724, plus strand): 5'-CAGCTGTTGGTACAAGAAAAATATAATAACTAACCTGGGTTTTCCATCGACATGAAGACA[G>A]TTTCTCCTGAGAATGGGAATAGGGTGAGTGTGTCTTCATAGACCATTTTGTGTTTGAAGG-3'
Protein context (NP_000123.1, residues 686-706): TLTLFPFSGE[Thr696Ile]VFMSMENPGL

ClinVar aggregate classification (germline): Pathogenic. Review status: reviewed by expert panel (3 of 4 stars). 3 submissions from 3 submitters: Pathogenic (1). 2 of the submissions do not count toward it. Last evaluated 2024-02-02.

Conditions:
Hereditary factor VIII deficiency disease (HEMA). Also called: HEMOPHILIA, CLASSIC; AUTOSOMAL HEMOPHILIA A; Hemophilia A; Hemophilia A, congenital; HEM A; Factor 8 deficiency, congenital. Identifiers: Orphanet 98878, MedGen C0019069, MONDO:0010602, OMIM 306700.

Allele frequency attached by ClinVar (database versions not stated): gnomAD 0.00001; TOPMed 0.00006.
gnomAD v4.1: 1 of 1,209,019 alleles (0.000083%); highest among the groups gnomAD compares: Admixed American, 0.0022%; no homozygotes.

Submissions (3):

ClinGen Coagulation Factor Deficiency Variant Curation Expert Panel, Clingen
Classification: Pathogenic for Hereditary factor VIII deficiency disease. Last evaluated: 2024-02-02. Review status: reviewed by expert panel. Criteria: ClinGen CoagFactor ACMG Specifications F8 V1.0.0. Collection method: curation. Allele origin: germline. Inheritance: X-linked inheritance.
Comment: The c.2087C>T (p.Thr696Ile) variant is absent from males in gnomAD v2.1.1 & gnomAD v3. 1 allele is reported in gnomAD v3.1.1 meeting PM2_Supporting criteria. The missense variant has a REVEL score of 0.927 (>0.6) meeting PP3 criteria. The variant has been reported in at least 18 probands with mild hemophilia A meeting phenotypic criteria for F8 at the very strong evidence weight (PMID: 24845853 and My Life Our Future data - 29296726). This variant has also been associated with discrepant factor VIII activity levels (PMID: 32232366). In summary, this variant meets criteria to be classified as pathogenic. ACMG/AMP criteria applied, as specified by the Coagulation Factor Deficiency Variant Curation Expert Panel for F8/F9: PS4_VeryStrong, PP4_Moderate, PP3, PM2_Supporting.

Women's Health and Genetics/Laboratory Corporation of America, LabCorp
Classification: Pathogenic for Hereditary factor VIII deficiency disease. Last evaluated: 2026-06-26. Review status: criteria provided, single submitter. Criteria: LabCorp Variant Classification Summary - May 2015. Collection method: clinical testing. Allele origin: germline. Not counted in ClinVar's aggregate classification.
Comment: Variant summary: F8 c.2087C>T (p.Thr696Ile) results in a non-conservative amino acid change in the encoded protein sequence. Algorithms developed to predict the effect of missense changes on protein structure and function all suggest that this variant is likely to be disruptive. The variant was absent in 182853 control chromosomes. c.2087C>T has been observed in multiple individuals affected with Factor VIII Deficiency (Hemophilia A) (e.g. Nair_2014, Lim_2025, Johnsen_2022). These data indicate that the variant is very likely to be associated with disease. To our knowledge, no experimental evidence demonstrating an impact on protein function has been reported. The following publications have been ascertained in the context of this evaluation (PMID: 35770352, 41071185, 24845853). ClinVar contains an entry for this variant (Variation ID: 2775445). Based on the evidence outlined above, the variant was classified as pathogenic.

Myriad Genetics, Inc.
Classification: Pathogenic for Hereditary factor VIII deficiency disease. Last evaluated: 2025-02-06. Review status: criteria provided, single submitter. Criteria: Myriad Autosomal Dominant, Autosomal Recessive and X-Linked Classification Criteria (2023). Collection method: clinical testing. Allele origin: unknown. Not counted in ClinVar's aggregate classification.
Comment: NM_000132.3(F8):c.2087C>T(T696I) is a missense variant classified as pathogenic in the context of hemophilia A. T696I has been observed in cases with relevant disease (PMID: 29296726). Relevant functional assessments of this variant are not available in the literature. T696I has not been observed in referenced population frequency databases. In summary, NM_000132.3(F8):c.2087C>T(T696I) is a missense variant that has been observed more frequently in cases with the relevant disease than in healthy populations. Please note: this variant was assessed in the context of healthy population screening.

Literature cited by the submitters: PubMed 35770352 (cited by Women's Health and Genetics/Laboratory Corporation of America, LabCorp); PubMed 24845853 (cited by Women's Health and Genetics/Laboratory Corporation of America, LabCorp); PubMed 41071185 (cited by Women's Health and Genetics/Laboratory Corporation of America, LabCorp); PubMed 29296726 (cited by Myriad Genetics, Inc.).